The following is an entry in ClinVar:

NM_000501.4(ELN):c.192del (p.Lys64fs)

Gene: ELN (elastin; plus strand). Cytogenetic location: 7q11.23.
Variant type: Deletion.
Coding change: c.192del on transcript NM_000501.4 (MANE Select); coding-DNA position 192, one base deleted (G; older notation c.192delG).
Protein change: p.Lys64fs; shifts the reading frame from lysine 64.
Molecular consequence: frameshift variant.
Genome position (GRCh38, 1-based): chr7:74,037,735, G deleted. VCF-style (leftmost placement, unchanged base first): chr7-74037734-AG-A. GRCh37 (hg19) VCF-style: chr7-73452064-AG-A.
Other names: c.162del, p.Lys54fs (NM_001081752.3, NM_001278914.2, NM_001278917.2 and 1 more transcripts); c.192del, p.Lys64fs (NM_001081753.3, NM_001081754.3, NM_001081755.3 and 5 more transcripts); short protein forms K54fs, K64fs.
Identifiers: ClinVar variation 2752539 (VCV002752539.3), dbSNP rs2484908782, ClinGen allele CA2697557312.

ClinVar aggregate classification (germline): Pathogenic (1 of 4 stars; one submission).

Conditions:
Supravalvar aortic stenosis (SVAS). Also called: Supravalvar aortic stenosis, Eisenberg type. Identifiers: Orphanet 3193, MedGen C0003499, MONDO:0008504, OMIM 185500, HP:0004381.

Submission:

Labcorp Genetics (formerly Invitae), Labcorp
Classification: Pathogenic for Supravalvar aortic stenosis. Last evaluated: 2023-08-30. Review status: criteria provided, single submitter. Criteria: Invitae Variant Classification Sherloc (09022015). Collection method: clinical testing. Allele origin: germline.
Comment: For these reasons, this variant has been classified as Pathogenic. This sequence change creates a premature translational stop signal (p.Lys64Asnfs*58) in the ELN gene. It is expected to result in an absent or disrupted protein product. Loss-of-function variants in ELN are known to be pathogenic (PMID: 11175284). This variant is not present in population databases (gnomAD no frequency). This variant has not been reported in the literature in individuals affected with ELN-related conditions.

Literature cited by the submitters: PubMed 11175284.